The following is an entry in ClinVar:

NM_001010909.5(MUC21):c.1050C>T (p.Ser350=)

Genes: MUC21 (mucin 21, cell surface associated; plus strand), LOC126859647 (CDK7 strongly-dependent group 2 enhancer GRCh37_chr6:30954612-30955811; plus strand). Cytogenetic location: 6p21.33.
Variant type: single nucleotide variant.
Coding change: c.1050C>T on transcript NM_001010909.5 (MANE Select); coding-DNA position 1050, C replaced by T.
Protein change: p.Ser350=; no amino-acid change (serine 350 retained).
Molecular consequence: synonymous variant. On other transcripts: non-coding transcript variant (1).
Genome position (GRCh38, 1-based): chr6:30,987,225, C>T. VCF-style: chr6-30987225-C-T. GRCh37 (hg19) VCF-style: chr6-30955002-C-T.
Identifiers: ClinVar variation 3771517 (VCV003771517.13).
Genomic context (GRCh38, chr6:30,987,225, plus strand): 5'-CACCAACTCTGAGTCCAGCACGACCTCCAGTGGGGCCAGCACAGCCACCAACTCTGAGTC[C>T]AGCACAACCTCCAGTGGGGCCAGCACAGCCACCAACTCTGGGTCCAGCACGACCTCCAGT-3'
Protein context (NP_001010909.2, residues 340-360): SGASTATNSE[Ser350=]STTSSGASTA

ClinVar aggregate classification (germline): Likely benign (1 of 4 stars; one submission).

Submission:

CeGaT Center for Human Genetics Tuebingen
Classification: Likely benign. Last evaluated: 2025-02-01. Review status: criteria provided, single submitter. Criteria: CeGaT Center For Human Genetics Tuebingen Variant Classification Criteria Version 2. Collection method: clinical testing. Allele origin: germline. Affected: yes. Observed: 1 variant allele.
Comment: MUC21: PM2:Supporting, BP4, BP7